The following is an entry in ClinVar:

ClinVar aggregate classification (germline): Uncertain significance. Review status: criteria provided, multiple submitters, no conflicts (2 of 4 stars). 2 submissions from 2 submitters: Uncertain significance (2). Last evaluated 2025-07-28.

Conditions:
Dihydropteridine reductase deficiency (HPABH4C). Also called: DHPR DEFICIENCY; BH4-Deficient Hyperphenylalaninemia C; Phenylketonuria II; QDPR DEFICIENCY; QUINOID DIHYDROPTERIDINE REDUCTASE DEFICIENCY; HYPERPHENYLALANINEMIA, TETRAHYDROBIOPTERIN-DEFICIENT, DUE TO DHPR DEFICIENCY. Identifiers: Orphanet 226, Orphanet 238583, MedGen C0268465, MONDO:0009862, OMIM 261630.

Allele frequency attached by ClinVar (database versions not stated): gnomAD exomes below 0.00001.

Submissions (2):

Labcorp Genetics (formerly Invitae), Labcorp
Classification: Uncertain significance for Dihydropteridine reductase deficiency. Last evaluated: 2025-07-28. Review status: criteria provided, single submitter. Criteria: Invitae Variant Classification Sherloc (09022015). Collection method: clinical testing. Allele origin: germline.
Comment: This sequence change replaces arginine, which is basic and polar, with glutamine, which is neutral and polar, at codon 221 of the QDPR protein (p.Arg221Gln). This variant is present in population databases (no rsID available, gnomAD 0.004%). This variant has not been reported in the literature in individuals affected with QDPR-related conditions. ClinVar contains an entry for this variant (Variation ID: 954325). An algorithm developed to predict the effect of missense changes on protein structure and function (PolyPhen-2) suggests that this variant is likely to be disruptive. In summary, the available evidence is currently insufficient to determine the role of this variant in disease. Therefore, it has been classified as a Variant of Uncertain Significance.

Fulgent Genetics
Classification: Uncertain significance for Dihydropteridine reductase deficiency. Last evaluated: 2021-07-28. Review status: criteria provided, single submitter. Criteria: ACMG Guidelines, 2015. Collection method: clinical testing. Allele origin: unknown.

NM_000320.3(QDPR):c.662G>A (p.Arg221Gln)

Gene: QDPR (quinoid dihydropteridine reductase; minus strand). Cytogenetic location: 4p15.32.
Variant type: single nucleotide variant.
Coding change: c.662G>A on transcript NM_000320.3 (MANE Select); coding-DNA position 662, G replaced by A.
Protein change: p.Arg221Gln; replaces arginine 221 with glutamine.
Molecular consequence: missense variant. On other transcripts: non-coding transcript variant (1).
Genome position (GRCh38, 1-based): chr4:17,487,204, C>T on the plus strand (G>A on the coding strand, the complement: QDPR is on the minus strand). VCF-style: chr4-17487204-C-T. GRCh37 (hg19) VCF-style: chr4-17488827-C-T.
Other names: c.569G>A, p.Arg190Gln (NM_001306140.2); short protein forms R221Q, R190Q.
Identifiers: ClinVar variation 954325 (VCV000954325.7), dbSNP rs1478668973, ClinGen allele CA356442403.